The following is an entry in ClinVar:

ClinVar aggregate classification (germline): Uncertain significance. Review status: criteria provided, multiple submitters, no conflicts (2 of 4 stars). 3 submissions from 3 submitters: Uncertain significance (3). Last evaluated 2025-08-01.

Conditions:
Lymphangiomyomatosis (LAM). Also called: Lymphangioleiomyomatosis; Lymphangioleiomyomatosis, somatic. Identifiers: Orphanet 538, MedGen C0751674, MONDO:0011705, OMIM 606690.
Isolated focal cortical dysplasia type II (FCORD2). Also called: Focal cortical dysplasia type II; CORTICAL DYSPLASIA OF TAYLOR. Identifiers: Orphanet 268994, MedGen C1846385, MONDO:0011818, OMIM 607341, HP:0032051.
Tuberous sclerosis 1 (TSC1). Identifiers: Orphanet 805, MedGen C1854465, MONDO:0008612, OMIM 191100.
Hereditary cancer-predisposing syndrome. Also called: Hereditary Cancer Syndrome; Tumor predisposition; Neoplastic Syndromes, Hereditary; Hereditary neoplastic syndrome. Identifiers: Orphanet 140162, MedGen C0027672, MeSH D009386, MONDO:0015356.

Submissions (3):

Ambry Genetics
Classification: Uncertain significance for Hereditary cancer-predisposing syndrome. Last evaluated: 2025-08-01. Review status: criteria provided, single submitter. Criteria: Ambry Variant Classification Scheme 2023. Collection method: clinical testing. Allele origin: germline.
Comment: The c.3121_3129delAGCAGCAGC variant (also known as p.S1041_S1043del) is located in coding exon 21 of the TSC1 gene. This variant results from an in-frame AGCAGCAGC deletion at nucleotide positions 3121 to 3129. This results in the in-frame deletion of 3 serine residues at codons 1041 to 1043. These amino acid positions are well conserved in available vertebrate species. In addition, this alteration is predicted to be neutral by in silico analysis (Choi Y et al. PLoS ONE. 2012; 7(10):e46688). Since supporting evidence is limited at this time, the clinical significance of this alteration remains unclear.

Labcorp Genetics (formerly Invitae), Labcorp
Classification: Uncertain significance for Tuberous sclerosis 1. Last evaluated: 2025-02-09. Review status: criteria provided, single submitter. Criteria: Invitae Variant Classification Sherloc (09022015). Collection method: clinical testing. Allele origin: germline.
Comment: This variant, c.3121_3129del, results in the deletion of 3 amino acid(s) of the TSC1 protein (p.Ser1041_Ser1043del), but otherwise preserves the integrity of the reading frame. This variant is present in population databases (rs759531937, gnomAD 0.0009%). This variant has not been reported in the literature in individuals affected with TSC1-related conditions. Experimental studies and prediction algorithms are not available or were not evaluated, and the functional significance of this variant is currently unknown. In summary, the available evidence is currently insufficient to determine the role of this variant in disease. Therefore, it has been classified as a Variant of Uncertain Significance.

Fulgent Genetics
Classification: Uncertain significance for Tuberous sclerosis 1; Lymphangiomyomatosis; Isolated focal cortical dysplasia type II. Last evaluated: 2021-07-13. Review status: criteria provided, single submitter. Criteria: ACMG Guidelines, 2015. Collection method: clinical testing. Allele origin: unknown.

NM_000368.5(TSC1):c.3112AGC[3] (p.Ser1041_Ser1043del)

Gene: TSC1 (TSC complex subunit 1; minus strand). Cytogenetic location: 9q34.13.
Variant type: Microsatellite.
Coding change: c.3112AGC[3] on transcript NM_000368.5 (MANE Select); three copies in a row of the 3-base unit AGC starting at c.3112; the reference has six copies in a row; three copies, 9 bases deleted; also written c.3121_3129del.
Protein change: p.Ser1041_Ser1043del.
Molecular consequence: inframe deletion.
Genome position (GRCh38, 1-based): chr9:132,896,601-132,896,609, GCTGCTGCT deleted on the plus strand (AGCAGCAGC on the coding strand, the reverse complement: TSC1 is on the minus strand); deleting any 9 consecutive bases within chr9:132,896,601-132,896,620 gives the same sequence; the position shown is the placement nearest the transcript's 3' end. VCF-style (leftmost placement, unchanged base first): chr9-132896600-CGCTGCTGCT-C. GRCh37 (hg19) VCF-style: chr9-135771987-CGCTGCTGCT-C.
Other names: c.3121_3129del (NM_000368.5); c.3121_3129delAGCAGCAGC (NM_000368.4); c.3109AGC[3], p.Ser1040_Ser1042del (NM_001162426.2); c.2959AGC[3], p.Ser990_Ser992del (NM_001162427.2); c.2749AGC[3], p.Ser920_Ser922del (NM_001362177.2).
Identifiers: ClinVar variation 646728 (VCV000646728.12), dbSNP rs2234980, ClinGen allele CA5301753.